The following is an entry in ClinVar:

NM_001369268.1(ACAN):c.7630C>T (p.Pro2544Ser)

Gene: ACAN (aggrecan; plus strand). Cytogenetic location: 15q26.1.
Variant type: single nucleotide variant.
Coding change: c.7630C>T on transcript NM_001369268.1 (MANE Select); coding-DNA position 7630, C replaced by T.
Protein change: p.Pro2544Ser; replaces proline 2544 with serine.
Molecular consequence: missense variant. On other transcripts: intron variant (1).
Genome position (GRCh38, 1-based): chr15:88,874,024, C>T. VCF-style: chr15-88874024-C-T. GRCh37 (hg19) VCF-style: chr15-89417255-C-T.
Other names: c.7516C>T, p.Pro2506Ser (NM_013227.4); c.7220-381C>T (NM_001135.4); short protein forms P2544S, P2506S.
Identifiers: ClinVar variation 1415973 (VCV001415973.7), dbSNP rs201449366, ClinGen allele CA7720742.
Genomic context (GRCh38, chr15:88,874,024, plus strand): 5'-CCCACCATCCGGTGCCAGCCCAGCGGGCACTGGGAGGAGCCTCAGATCACCTGCACAGAC[C>T]GTGAGCATCACCCCGGCCATCTCGCTGAGCACAGGGTTAGATTCTGCCAGCACAGCCTTC-3'
Protein context (NP_001356197.1, residues 2534-2554): WEEPQITCTD[Pro2544Ser]TTYKRRLQKR

ClinVar aggregate classification (germline): Uncertain significance (1 of 4 stars; one submission).

Allele frequency attached by ClinVar (database versions not stated): TOPMed 0.00001; gnomAD 0.00004 and 0.00005; gnomAD exomes 0.00007; ExAC 0.00011; 1000 Genomes Project 0.00020; 1000 Genomes Project 30x 0.00031.
gnomAD v4.1: 63 of 1,609,876 alleles (0.0039%); highest among the groups gnomAD compares: Admixed American, 0.013%; no homozygotes.

Submission:

Labcorp Genetics (formerly Invitae), Labcorp
Classification: Uncertain significance. Last evaluated: 2025-09-30. Review status: criteria provided, single submitter. Criteria: Invitae Variant Classification Sherloc (09022015). Collection method: clinical testing. Allele origin: germline.
Comment: This sequence change replaces proline, which is neutral and non-polar, with serine, which is neutral and polar, at codon 2506 of the ACAN protein (p.Pro2506Ser). This variant is present in population databases (rs201449366, gnomAD 0.01%). This variant has not been reported in the literature in individuals affected with ACAN-related conditions. ClinVar contains an entry for this variant (Variation ID: 1415973). An algorithm developed to predict the effect of missense changes on protein structure and function outputs the following: PolyPhen-2: "Possibly Damaging". The serine amino acid residue is found in multiple mammalian species, which suggests that this missense change does not adversely affect protein function. In summary, the available evidence is currently insufficient to determine the role of this variant in disease. Therefore, it has been classified as a Variant of Uncertain Significance.